The following is an entry in ClinVar:

NM_194313.4(KIF24):c.2850G>A (p.Gln950=)

Gene: KIF24 (kinesin family member 24; minus strand). Cytogenetic location: 9p13.3.
Variant type: single nucleotide variant.
Coding change: c.2850G>A on transcript NM_194313.4 (MANE Select); coding-DNA position 2850, G replaced by A.
Protein change: p.Gln950=; no amino-acid change (glutamine 950 retained).
Molecular consequence: synonymous variant.
Genome position (GRCh38, 1-based): chr9:34,256,757, C>T on the plus strand (G>A on the coding strand, the complement: KIF24 is on the minus strand). VCF-style: chr9-34256757-C-T. GRCh37 (hg19) VCF-style: chr9-34256755-C-T.
Identifiers: ClinVar variation 3905067 (VCV003905067.10).

ClinVar aggregate classification (germline): Likely benign (1 of 4 stars; one submission).

gnomAD v4.1: 828 of 1,613,982 alleles (0.051%); highest among the groups gnomAD compares: African/African-American, 1%; 3 homozygotes.

Submission:

CeGaT Center for Human Genetics Tuebingen
Classification: Likely benign. Last evaluated: 2025-04-01. Review status: criteria provided, single submitter. Criteria: CeGaT Center For Human Genetics Tuebingen Variant Classification Criteria Version 2. Collection method: clinical testing. Allele origin: germline. Affected: yes. Observed: 1 variant allele.
Comment: KIF24: BP4, BP7